The following is an entry in ClinVar:

NM_006087.4(TUBB4A):c.735G>T (p.Gln245His)

Gene: TUBB4A (tubulin beta 4A class IVa; minus strand). Cytogenetic location: 19p13.3.
Variant type: single nucleotide variant.
Coding change: c.735G>T on transcript NM_006087.4 (MANE Select); coding-DNA position 735, G replaced by T.
Protein change: p.Gln245His; replaces glutamine 245 with histidine.
Molecular consequence: missense variant.
Genome position (GRCh38, 1-based): chr19:6,495,764, C>A on the plus strand (G>T on the coding strand, the complement: TUBB4A is on the minus strand). VCF-style: chr19-6495764-C-A. GRCh37 (hg19) VCF-style: chr19-6495775-C-A.
Other names: c.888G>T, p.Gln296His (NM_001289123.2); c.870G>T, p.Gln290His (NM_001289127.2); c.735G>T, p.Gln245His (NM_001289129.2); c.519G>T, p.Gln173His (NM_001289130.2, NM_001289131.2); short protein forms Q173H, Q290H, Q245H, Q296H.
Identifiers: ClinVar variation 3464345 (VCV003464345.1).

ClinVar aggregate classification (germline): Uncertain significance (1 of 4 stars; one submission).

Conditions:
Inborn genetic diseases. Identifiers: MedGen C0950123, MeSH D030342.

Submission:

Ambry Genetics
Classification: Uncertain significance for Inborn genetic diseases. Last evaluated: 2024-10-15. Review status: criteria provided, single submitter. Criteria: Ambry Variant Classification Scheme 2023. Collection method: clinical testing. Allele origin: germline.
Comment: The c.735G>T (p.Q245H) alteration is located in exon 4 (coding exon 4) of the TUBB4A gene. This alteration results from a G to T substitution at nucleotide position 735, causing the glutamine (Q) at amino acid position 245 to be replaced by a histidine (H). This variant was not reported in population-based cohorts in the Genome Aggregation Database (gnomAD). Another alteration at the same codon, c.734A>T (p.Q245L), also described as c.518A>T (p.Q173L), has been detected in one individual with truncal hypotonia, hypomyelination, and cerebellar atrophy (Gavazzi, 2021). This amino acid position is highly conserved in available vertebrate species. The in silico prediction for this alteration is inconclusive. Based on insufficient or conflicting evidence, the clinical significance of this alteration remains unclear.

Literature cited by the submitters: PubMed 34514881.